The following is an entry in ClinVar:

NM_032119.4(ADGRV1):c.10811C>T (p.Thr3604Ile)

Gene: ADGRV1 (adhesion G protein-coupled receptor V1; plus strand). Cytogenetic location: 5q14.3.
Variant type: single nucleotide variant.
Coding change: c.10811C>T on transcript NM_032119.4 (MANE Select); coding-DNA position 10811, C replaced by T.
Protein change: p.Thr3604Ile; replaces threonine 3604 with isoleucine.
Molecular consequence: missense variant. On other transcripts: non-coding transcript variant (1).
Genome position (GRCh38, 1-based): chr5:90,745,632, C>T. VCF-style: chr5-90745632-C-T. GRCh37 (hg19) VCF-style: chr5-90041449-C-T.
Other names: short protein forms T3604I.
Identifiers: ClinVar variation 954307 (VCV000954307.9), dbSNP rs1228940279, ClinGen allele CA360408935.

ClinVar aggregate classification (germline): Uncertain significance (1 of 4 stars; one submission).

Allele frequency attached by ClinVar (database versions not stated): gnomAD 0.00001; TOPMed 0.00003.
gnomAD v4.1: 2 of 1,612,518 alleles (0.00012%); highest among the groups gnomAD compares: African/African-American, 0.0027%; no homozygotes.

Submission:

Labcorp Genetics (formerly Invitae), Labcorp
Classification: Uncertain significance. Last evaluated: 2024-02-24. Review status: criteria provided, single submitter. Criteria: Invitae Variant Classification Sherloc (09022015). Collection method: clinical testing. Allele origin: germline.
Comment: This sequence change replaces threonine, which is neutral and polar, with isoleucine, which is neutral and non-polar, at codon 3604 of the ADGRV1 protein (p.Thr3604Ile). This variant is not present in population databases (gnomAD no frequency). This variant has not been reported in the literature in individuals affected with ADGRV1-related conditions. ClinVar contains an entry for this variant (Variation ID: 954307). Advanced modeling of protein sequence and biophysical properties (such as structural, functional, and spatial information, amino acid conservation, physicochemical variation, residue mobility, and thermodynamic stability) performed at Invitae indicates that this missense variant is not expected to disrupt ADGRV1 protein function with a negative predictive value of 95%. In summary, the available evidence is currently insufficient to determine the role of this variant in disease. Therefore, it has been classified as a Variant of Uncertain Significance.